The following is an entry in ClinVar:

NM_001848.3(COL6A1):c.2131C>T (p.Arg711Trp)

Gene: COL6A1 (collagen type VI alpha 1 chain; plus strand). Cytogenetic location: 21q22.3.
Variant type: single nucleotide variant.
Coding change: c.2131C>T on transcript NM_001848.3 (MANE Select); coding-DNA position 2131, C replaced by T.
Protein change: p.Arg711Trp; replaces arginine 711 with tryptophan.
Molecular consequence: missense variant.
Genome position (GRCh38, 1-based): chr21:46,002,282, C>T. VCF-style: chr21-46002282-C-T. GRCh37 (hg19) VCF-style: chr21-47422196-C-T.
Other names: short protein forms R711W.
Identifiers: ClinVar variation 2170184 (VCV002170184.5), dbSNP rs761484013, ClinGen allele CA10070777.

ClinVar aggregate classification (germline): Uncertain significance. Review status: criteria provided, multiple submitters, no conflicts (2 of 4 stars). 2 submissions from 2 submitters: Uncertain significance (2). Last evaluated 2025-12-15.

Conditions:
Inborn genetic diseases. Identifiers: MedGen C0950123, MeSH D030342.
Bethlem myopathy 1A. Also called: Bethlem Muscular Dystrophy; Bethlem myopathy 1; MYOPATHY, BENIGN CONGENITAL, WITH CONTRACTURES. Identifiers: Orphanet 610, MedGen CN029274, MONDO:0024530, OMIM 158810.

Allele frequency attached by ClinVar (database versions not stated): TOPMed below 0.00001; ExAC 0.00002.
gnomAD v4.1: 21 of 1,597,022 alleles (0.0013%); highest among the groups gnomAD compares: East Asian, 0.0023%; no homozygotes.

Submissions (2):

Ambry Genetics
Classification: Uncertain significance for Inborn genetic diseases. Last evaluated: 2025-12-15. Review status: criteria provided, single submitter. Criteria: Ambry Variant Classification Scheme 2023. Collection method: clinical testing. Allele origin: germline.

Labcorp Genetics (formerly Invitae), Labcorp
Classification: Uncertain significance for Bethlem myopathy 1A. Last evaluated: 2023-04-15. Review status: criteria provided, single submitter. Criteria: Invitae Variant Classification Sherloc (09022015). Collection method: clinical testing. Allele origin: germline.
Comment: This variant has not been reported in the literature in individuals affected with COL6A1-related conditions. The frequency data for this variant in the population databases is considered unreliable, as metrics indicate poor data quality at this position in the gnomAD database. This sequence change replaces arginine, which is basic and polar, with tryptophan, which is neutral and slightly polar, at codon 711 of the COL6A1 protein (p.Arg711Trp). In summary, the available evidence is currently insufficient to determine the role of this variant in disease. Therefore, it has been classified as a Variant of Uncertain Significance. Advanced modeling of protein sequence and biophysical properties (such as structural, functional, and spatial information, amino acid conservation, physicochemical variation, residue mobility, and thermodynamic stability) performed at Invitae indicates that this missense variant is not expected to disrupt COL6A1 protein function. ClinVar contains an entry for this variant (Variation ID: 2170184).